The following is an entry in ClinVar:

ClinVar aggregate classification (germline): Uncertain significance (1 of 4 stars; one submission).

Conditions:
SCNN1A-related disorder. Also called: SCNN1A-related disorders; SCNN1A-related condition.

gnomAD v4.1: 5 of 1,613,870 alleles (0.00031%); highest among the groups gnomAD compares: African/African-American, 0.004%; no homozygotes.

Submission:

PreventionGenetics, part of Exact Sciences
Classification: Uncertain significance for SCNN1A-related condition. Last evaluated: 2024-10-27. Review status: criteria provided, single submitter. Criteria: ACMG Guidelines, 2015. Collection method: clinical testing. Allele origin: germline.
Comment: The SCNN1A c.103T>C variant is predicted to result in the amino acid substitution p.Ser35Pro. To our knowledge, this variant has not been reported in the literature. This variant is reported in 0.0082% of alleles in individuals of African descent in gnomAD. At this time, the clinical significance of this variant is uncertain due to the absence of conclusive functional and genetic evidence.

NM_001038.6(SCNN1A):c.-54-21T>C

Gene: SCNN1A (sodium channel epithelial 1 subunit alpha; minus strand). Cytogenetic location: 12p13.31.
Variant type: single nucleotide variant.
Coding change: c.-54-21T>C on transcript NM_001038.6 (MANE Select); 21 bases into the intron before 54 bases upstream of the start codon, T replaced by C.
Molecular consequence: intron variant. On other transcripts: missense variant (1).
Genome position (GRCh38, 1-based): chr12:6,374,858, A>G on the plus strand (T>C on the coding strand, the complement: SCNN1A is on the minus strand). VCF-style: chr12-6374858-A-G. GRCh37 (hg19) VCF-style: chr12-6484024-A-G.
Other names: c.103T>C, p.Ser35Pro (NM_001159576.2); c.16-21T>C (NM_001159575.2); short protein forms S35P.
Identifiers: ClinVar variation 5000591 (VCV005000591.1).
Genomic context (GRCh38, chr12:6,374,858, plus strand): 5'-GCTGCAGAGGTCTAGGGTCCTGCTCCTCCAGCTTGTTCCCCTTCATGAGCCCCGGAGTGG[A>G]TTGGGGAGAGCAAGGGTCAGGGTCAAGGCTGAGCTCTGGGCCCTGAGTGCCCTCTCCCAT-3'